The following is an entry in ClinVar:

NM_001903.5(CTNNA1):c.1974A>C (p.Thr658=)

Gene: CTNNA1 (catenin alpha 1; plus strand). Cytogenetic location: 5q31.2.
Variant type: single nucleotide variant.
Coding change: c.1974A>C on transcript NM_001903.5 (MANE Select); coding-DNA position 1974, A replaced by C.
Protein change: p.Thr658=; no amino-acid change (threonine 658 retained).
Molecular consequence: synonymous variant.
Genome position (GRCh38, 1-based): chr5:138,929,320, A>C. VCF-style: chr5-138929320-A-C. GRCh37 (hg19) VCF-style: chr5-138265009-A-C.
Other names: c.1974A>C, p.Thr658= (NM_001290307.3, NM_001323982.2, NM_001323983.1 and 2 more transcripts); c.1665A>C, p.Thr555= (NM_001290309.3); c.1605A>C, p.Thr535= (NM_001290310.3); c.864A>C, p.Thr288= (NM_001290312.1, NM_001323987.1, NM_001323988.1 and 17 more transcripts); c.1881A>C, p.Thr627= (NM_001323986.2); c.525A>C, p.Thr175= (NM_001324006.1, NM_001324007.1, NM_001324008.1 and 2 more transcripts); c.771A>C, p.Thr257= (NM_001324011.1); c.621A>C, p.Thr207= (NM_001324012.1, NM_001324013.1); and 1 more.
Identifiers: ClinVar variation 734390 (VCV000734390.13), dbSNP rs372570632, ClinGen allele CA128220959.

ClinVar aggregate classification (germline): Benign/Likely benign. Review status: criteria provided, multiple submitters, no conflicts (2 of 4 stars). 3 submissions from 3 submitters: Benign (1); Likely benign (2). Last evaluated 2026-01-26.

Conditions:
Hereditary cancer-predisposing syndrome. Also called: Hereditary neoplastic syndrome; Neoplastic Syndromes, Hereditary; Tumor predisposition; Hereditary Cancer Syndrome. Identifiers: Orphanet 140162, MedGen C0027672, MeSH D009386, MONDO:0015356.
Hereditary diffuse gastric adenocarcinoma (HDGC). Also called: DIFFUSE GASTRIC AND LOBULAR BREAST CANCER SYNDROME. Identifiers: Orphanet 26106, MedGen C1708349, MONDO:0007648, OMIM 137215.

gnomAD v4.1: 6 of 1,611,452 alleles (0.00037%); highest among the groups gnomAD compares: South Asian, 0.0033%; no homozygotes.

Submissions (3):

Labcorp Genetics (formerly Invitae), Labcorp
Classification: Likely benign. Last evaluated: 2026-01-26. Review status: criteria provided, single submitter. Criteria: Invitae Variant Classification Sherloc (09022015). Collection method: clinical testing. Allele origin: germline.

Myriad Genetics, Inc.
Classification: Benign for Hereditary diffuse gastric adenocarcinoma. Last evaluated: 2024-10-14. Review status: criteria provided, single submitter. Criteria: Myriad Autosomal Dominant, Autosomal Recessive and X-Linked Classification Criteria (2023). Collection method: clinical testing. Allele origin: unknown.
Comment: This variant is considered benign. This variant is a silent/synonymous amino acid change and it is not expected to impact splicing.

Ambry Genetics
Classification: Likely benign for Hereditary cancer-predisposing syndrome. Last evaluated: 2023-03-24. Review status: criteria provided, single submitter. Criteria: Ambry Variant Classification Scheme 2023. Collection method: clinical testing. Allele origin: germline.